The following is an entry in ClinVar:

NM_030912.3(TRIM8):c.1375C>T (p.Gln459Ter)

Gene: TRIM8 (tripartite motif containing 8; plus strand). Cytogenetic location: 10q24.32.
Variant type: single nucleotide variant.
Coding change: c.1375C>T on transcript NM_030912.3 (MANE Select); coding-DNA position 1375, C replaced by T.
Protein change: p.Gln459Ter; replaces glutamine 459 with a stop codon.
Molecular consequence: nonsense. On other transcripts: non-coding transcript variant (1).
Genome position (GRCh38, 1-based): chr10:102,657,073, C>T. VCF-style: chr10-102657073-C-T. GRCh37 (hg19) VCF-style: chr10-104416830-C-T.
Other names: c.1279C>T, p.Gln427Ter (NM_001345950.1); short protein forms Q459*, Q427*.
Identifiers: ClinVar variation 584442 (VCV000584442.16), dbSNP rs866294686, ClinGen allele CA212267479.
Genomic context (GRCh38, chr10:102,657,073, plus strand): 5'-CCCGTGTTCCCCCCATCGCAGTATCCCAATGGCTCCGCCGCCCAGCAGCCCATGCTCCCC[C>T]AGTATGGCGGCCGCAAGATTCTCGTCTGTTCTGTGGACAACTGTTACTGTTCTTCCGTGG-3'

ClinVar aggregate classification (germline): Pathogenic/Likely pathogenic. Review status: criteria provided, multiple submitters, no conflicts (2 of 4 stars). 7 submissions from 7 submitters: Pathogenic (4); Likely pathogenic (1). 2 of the submissions do not count toward it. Last evaluated 2024-05-20.

Conditions:
Focal segmental glomerulosclerosis and neurodevelopmental syndrome. Identifiers: MedGen C5561938, MONDO:0100111, OMIM 619428.
Inborn genetic diseases. Identifiers: MedGen C0950123, MeSH D030342.
Seizure. Also called: Seizures. Identifiers: MedGen C0036572, HP:0001250.
Neurodevelopmental delay. Identifiers: MedGen C4022738, HP:0012758.
Focal segmental glomerulosclerosis (FSGS). Also called: Glomerulosclerosis, focal; Focal sclerosis with hyalinosis. Identifiers: MedGen C0017668, MONDO:0100313, HP:0000097. Disease mechanism: loss of function.
TRIM8-related epileptic encephalopathy.

Submissions (7):

Ambry Genetics
Classification: Pathogenic for Inborn genetic diseases. Last evaluated: 2024-05-20. Review status: criteria provided, single submitter. Criteria: Ambry Variant Classification Scheme 2023. Collection method: clinical testing. Allele origin: germline.
Comment: The c.1375C>T (p.Q459*) alteration, located in coding exon 6 of the TRIM8 gene, consists of a C to T substitution at nucleotide position 1375. This changes the amino acid from a glutamine (Q) to a stop codon at amino acid position 459. This alteration occurs at the 3' terminus of the TRIM8 gene, is not expected to trigger nonsense-mediated mRNA decay, and impacts the last 16.9% of the protein. The exact functional effect of this alteration is unknown and loss of function of TRIM8 has not been established as a mechanism of disease. This variant was not reported in population-based cohorts in the Genome Aggregation Database (gnomAD). This variant has been reported to occur de novo in multiple individuals affected with a neurodevelopmental disorder and seizures (Assoum, 2018; Weng, 2021; Ambry internal data). Based on the available evidence, this alteration is classified as pathogenic.

Daryl Scott Lab, Baylor College of Medicine
Classification: Pathogenic for Focal segmental glomerulosclerosis and neurodevelopmental syndrome. Last evaluated: 2024-01-01. Review status: criteria provided, single submitter. Criteria: ACMG Guidelines, 2015. Collection method: clinical testing. Allele origin: de novo. Affected: yes. Observed: 1 heterozygote.
Comment: PVS1, PS2, PS4, PM2

GeneDx
Classification: Pathogenic. Last evaluated: 2021-12-02. Review status: criteria provided, single submitter. Criteria: GeneDx Variant Classification Process June 2021. Collection method: clinical testing. Allele origin: germline. Affected: yes.
Comment: Nonsense variant in the C-terminus predicted to result in protein truncation, as the last 93 amino acids are lost, and other loss-of-function variants have been reported downstream in the Human Gene Mutation Database (Stenson et al., 2014); Not observed in large population cohorts (Lek et al., 2016); This variant is associated with the following publications: (PMID: 30244534, 33508234)

Institute of Human Genetics Munich, TUM University Hospital
Classification: Pathogenic for Focal segmental glomerulosclerosis and neurodevelopmental syndrome. Last evaluated: 2021-08-09. Review status: criteria provided, single submitter. Criteria: Classification criteria August 2017. Collection method: clinical testing. Allele origin: de novo. Inheritance: Autosomal dominant inheritance. Affected: yes. Observed: 1 variant allele.

Undiagnosed Diseases Network, NIH
Classification: Likely pathogenic for TRIM8-related epileptic encephalopathy. Last evaluated: 2018-05-14. Review status: criteria provided, single submitter. Criteria: ACMG Guidelines, 2015. Collection method: clinical testing. Allele origin: de novo. Inheritance: Autosomal dominant inheritance. Affected: yes. Observed: 1 variant allele, 1 heterozygote. Study: Undiagnosed Diseases Network (NIH), UDN.

OMIM
Classification: Pathogenic for FOCAL SEGMENTAL GLOMERULOSCLEROSIS AND NEURODEVELOPMENTAL SYNDROME. Last evaluated: 2021-08-04. Review status: no assertion criteria provided. Collection method: literature only. Allele origin: germline. Not counted in ClinVar's aggregate classification.

Yale Center for Mendelian Genomics, Yale University
Classification: Likely pathogenic for Neurodevelopmental delay; Seizure; Focal segmental glomerulosclerosis. Last evaluated: 2021-01-27. Review status: no assertion criteria provided. Collection method: literature only. Allele origin: germline. Affected: yes. Observed: 3 heterozygotes. Study: Yale Center for Mendelian Genomics. Not counted in ClinVar's aggregate classification.

Literature cited by the submitters: PubMed 30244534 (cited by Ambry Genetics and OMIM); PubMed 33508234 (cited by 4 submitters).